The following is an entry in ClinVar:

ClinVar aggregate classification (germline): Likely pathogenic (1 of 4 stars; one submission).

Conditions:
Niemann-Pick disease, type C1. Also called: NEUROVISCERAL STORAGE DISEASE WITH VERTICAL SUPRANUCLEAR OPHTHALMOPLEGIA; NIEMANN-PICK DISEASE WITH CHOLESTEROL ESTERIFICATION BLOCK; NIEMANN-PICK DISEASE WITHOUT SPHINGOMYELINASE DEFICIENCY; NIEMANN-PICK DISEASE, CHRONIC NEURONOPATHIC FORM; NIEMANN-PICK DISEASE, VARIANT TYPE C1. Identifiers: Orphanet 646, MedGen C3179455, MONDO:0009757, OMIM 257220.

Submission:

Natera, Inc.
Classification: Likely pathogenic for Niemann-Pick disease type C1. Last evaluated: 2025-12-10. Review status: criteria provided, single submitter. Criteria: Natera Variant Classification Schema (03/2026). Collection method: clinical testing. Allele origin: germline.
Comment: The c.3655C>T variant in NPC1 is a nonsense variant predicted to introduce a stop codon at amino acid 1219. This variant is expected to result in nonsense mediated decay, truncation, or a dysfunctional protein product. This variant is rare in the general population with a frequency below the threshold expected for the associated phenotype(s). Given the available evidence, this variant is classified as Likely Pathogenic.

NM_000271.5(NPC1):c.3655C>T (p.Gln1219Ter)

Gene: NPC1 (NPC intracellular cholesterol transporter 1; minus strand). Cytogenetic location: 18q11.2.
Variant type: single nucleotide variant.
Coding change: c.3655C>T on transcript NM_000271.5 (MANE Select); coding-DNA position 3655, C replaced by T.
Protein change: p.Gln1219Ter; replaces glutamine 1219 with a stop codon.
Molecular consequence: nonsense.
Genome position (GRCh38, 1-based): chr18:23,533,454, G>A on the plus strand (C>T on the coding strand, the complement: NPC1 is on the minus strand). VCF-style: chr18-23533454-G-A. GRCh37 (hg19) VCF-style: chr18-21113418-G-A.
Other names: short protein forms Q1219*.
Identifiers: ClinVar variation 4818067 (VCV004818067.2).